The following is an entry in ClinVar:

NM_001256789.3(CACNA1F):c.345C>G (p.Phe115Leu)

Gene: CACNA1F (calcium voltage-gated channel subunit alpha1 F; minus strand). Cytogenetic location: Xp11.23.
Variant type: single nucleotide variant.
Coding change: c.345C>G on transcript NM_001256789.3 (MANE Select); coding-DNA position 345, C replaced by G.
Protein change: p.Phe115Leu; replaces phenylalanine 115 with leucine.
Molecular consequence: missense variant.
Genome position (GRCh38, 1-based): chrX:49,231,238, G>C on the plus strand (C>G on the coding strand, the complement: CACNA1F is on the minus strand). VCF-style: chrX-49231238-G-C. GRCh37 (hg19) VCF-style: chrX-49087700-G-C.
Other names: c.150C>G, p.Phe50Leu (NM_001256790.3); c.345C>G, p.Phe115Leu (NM_005183.4); c.345C>G (NM_005183.3); short protein forms F115L, F50L.
Identifiers: ClinVar variation 1022138 (VCV001022138.9), dbSNP rs782406586, ClinGen allele CA10411096.

ClinVar aggregate classification (germline): Uncertain significance. Review status: criteria provided, multiple submitters, no conflicts (2 of 4 stars). 2 submissions from 2 submitters: Uncertain significance (2). Last evaluated 2025-10-31.

Conditions:
CACNA1F-related disorder. Also called: CACNA1F-related condition.

Allele frequency attached by ClinVar (database versions not stated): ExAC below 0.00001; gnomAD 0.00003; gnomAD exomes 0.00003 and 0.00006.
gnomAD v4.1: 64 of 1,163,336 alleles (0.0055%); highest among the groups gnomAD compares: Non-Finnish European, 0.0068%; no homozygotes.

Submissions (2):

PreventionGenetics, part of Exact Sciences
Classification: Uncertain significance for CACNA1F-related condition. Last evaluated: 2025-10-31. Review status: criteria provided, single submitter. Criteria: ACMG Guidelines, 2015. Collection method: clinical testing. Allele origin: germline.
Comment: The CACNA1F c.345C>G variant is predicted to result in the amino acid substitution p.Phe115Leu. To our knowledge, this variant has not been reported in the literature. This variant is reported in 0.0065% of alleles in individuals of European (Non-Finnish) descent in gnomAD. At this time, the clinical significance of this variant is uncertain due to the absence of conclusive functional and genetic evidence.

Labcorp Genetics (formerly Invitae), Labcorp
Classification: Uncertain significance. Last evaluated: 2023-06-30. Review status: criteria provided, single submitter. Criteria: Invitae Variant Classification Sherloc (09022015). Collection method: clinical testing. Allele origin: germline.
Comment: This variant is present in population databases (rs782406586, gnomAD 0.007%). This sequence change replaces phenylalanine, which is neutral and non-polar, with leucine, which is neutral and non-polar, at codon 115 of the CACNA1F protein (p.Phe115Leu). This variant has not been reported in the literature in individuals affected with CACNA1F-related conditions. ClinVar contains an entry for this variant (Variation ID: 1022138). Advanced modeling of protein sequence and biophysical properties (such as structural, functional, and spatial information, amino acid conservation, physicochemical variation, residue mobility, and thermodynamic stability) performed at Invitae indicates that this missense variant is not expected to disrupt CACNA1F protein function. In summary, the available evidence is currently insufficient to determine the role of this variant in disease. Therefore, it has been classified as a Variant of Uncertain Significance.